The following is an entry in ClinVar:

ClinVar aggregate classification (germline): Uncertain significance (1 of 4 stars; one submission).

Submission:

Labcorp Genetics (formerly Invitae), Labcorp
Classification: Uncertain significance. Last evaluated: 2024-08-05. Review status: criteria provided, single submitter. Criteria: Invitae Variant Classification Sherloc (09022015). Collection method: clinical testing. Allele origin: germline.
Comment: This sequence change replaces aspartic acid, which is acidic and polar, with glutamic acid, which is acidic and polar, at codon 292 of the TAOK2 protein (p.Asp292Glu). This variant is not present in population databases (gnomAD no frequency). This variant has not been reported in the literature in individuals affected with TAOK2-related conditions. An algorithm developed to predict the effect of missense changes on protein structure and function (PolyPhen-2) suggests that this variant is likely to be tolerated. In summary, the available evidence is currently insufficient to determine the role of this variant in disease. Therefore, it has been classified as a Variant of Uncertain Significance.

NM_016151.4(TAOK2):c.876C>A (p.Asp292Glu)

Gene: TAOK2 (TAO kinase 2; plus strand). Cytogenetic location: 16p11.2.
Variant type: single nucleotide variant.
Coding change: c.876C>A on transcript NM_016151.4 (MANE Select); coding-DNA position 876, C replaced by A.
Protein change: p.Asp292Glu; replaces aspartic acid 292 with glutamic acid.
Molecular consequence: missense variant.
Genome position (GRCh38, 1-based): chr16:29,982,778, C>A. VCF-style: chr16-29982778-C-A. GRCh37 (hg19) VCF-style: chr16-29994099-C-A.
Other names: c.876C>A, p.Asp292Glu (NM_001252043.2, NM_004783.4); short protein forms D292E.
Identifiers: ClinVar variation 3660897 (VCV003660897.2).